The following is an entry in ClinVar:

NM_002181.4(IHH):c.315+1_315+3del

Gene: IHH (Indian hedgehog signaling molecule; minus strand). Cytogenetic location: 2q35.
Variant type: Deletion.
Coding change: c.315+1_315+3del on transcript NM_002181.4 (MANE Select); the canonical splice donor site of the intron after coding-DNA position 315 through 3 bases into the intron after coding-DNA position 315, 3 bases deleted (GTG; older notation c.315+1_315+3delGTG).
Molecular consequence: splice donor variant.
Genome position (GRCh38, 1-based): chr2:219,060,150-219,060,152, CAC deleted on the plus strand (GTG on the coding strand, the reverse complement: IHH is on the minus strand); deleting any 3 consecutive bases within chr2:219,060,150-219,060,153 gives the same sequence; the c. name uses the placement nearest the transcript's 3' end. VCF-style (leftmost placement, unchanged base first): chr2-219060149-TCAC-T. GRCh37 (hg19) VCF-style: chr2-219924871-TCAC-T.
Identifiers: ClinVar variation 3729127 (VCV003729127.2).
Genomic context (GRCh38, chr2:219,060,149, plus strand): 5'-GGGTAGGGCCGGGCAGGTGGCCGTGCTTCGGTGGCGGCGCGCTGGTAGGGCGGATCGCGC[TCAC>T]CTGGGTCATGAGGCGGTCGGCGCCTGTGTTCTCCTCGTCCTTGAAGATGATGTCTGGATT-3'

ClinVar aggregate classification (germline): Likely pathogenic (1 of 4 stars; one submission).

Submission:

Labcorp Genetics (formerly Invitae), Labcorp
Classification: Likely pathogenic. Last evaluated: 2025-01-18. Review status: criteria provided, single submitter. Criteria: Invitae Variant Classification Sherloc (09022015). Collection method: clinical testing. Allele origin: germline.
Comment: This sequence change affects a splice site in intron 1 of the IHH gene. It is expected to disrupt RNA splicing. Variants that disrupt the donor or acceptor splice site typically lead to a loss of protein function (PMID: 16199547), and loss-of-function variants in IHH are known to be pathogenic (PMID: 11455389, 19277064). This variant is not present in population databases (gnomAD no frequency). Disruption of this splice site has been observed in individual(s) with brachydactyly (internal data). Algorithms developed to predict the effect of sequence changes on RNA splicing suggest that this variant may disrupt the consensus splice site. In summary, the currently available evidence indicates that the variant is pathogenic, but additional data are needed to prove that conclusively. Therefore, this variant has been classified as Likely Pathogenic.

Literature cited by the submitters: PubMed 16199547; PubMed 11455389; PubMed 19277064.